The following is an entry in ClinVar:

NM_001199107.2(TBC1D24):c.1544C>T (p.Ala515Val)

Gene: TBC1D24 (TBC1 domain family member 24; plus strand). Cytogenetic location: 16p13.3.
Variant type: single nucleotide variant.
Coding change: c.1544C>T on transcript NM_001199107.2 (MANE Select); coding-DNA position 1544, C replaced by T.
Protein change: p.Ala515Val; replaces alanine 515 with valine.
Molecular consequence: missense variant.
Genome position (GRCh38, 1-based): chr16:2,500,822, C>T. VCF-style: chr16-2500822-C-T. GRCh37 (hg19) VCF-style: chr16-2550823-C-T.
Other names: c.1526C>T, p.Ala509Val (NM_020705.3); short protein forms A509V, A515V.
Identifiers: ClinVar variation 49 (VCV000000049.53), dbSNP rs267607105, ClinGen allele CA339786.

ClinVar aggregate classification (germline): Conflicting classifications of pathogenicity. Review status: criteria provided, conflicting classifications (1 of 4 stars). 8 submissions from 8 submitters: Pathogenic (2); Likely pathogenic (3); Uncertain significance (1). 2 of the submissions do not count toward it. Last evaluated 2026-01-01.

Conditions:
Autosomal dominant nonsyndromic hearing loss 65. Also called: TBC1D24-Related Autosomal Dominant Nonsyndromic Hearing Loss (DFNA); Deafness, autosomal dominant 65. Identifiers: Orphanet 90635, MedGen C3892048, MONDO:0014470, OMIM 616044.
Developmental and epileptic encephalopathy, 1 (DEE1). Also called: INFANTILE SPASM SYNDROME, X-LINKED 1; OHTAHARA SYNDROME, X-LINKED; X-linked infantile spasms; West's syndrome; Tonic spasms with clustering, arrest of psychomotor development and hypsarrhythmia on EEG; X-Linked Infantile Spasm Syndrome. Identifiers: MedGen C3463992, MONDO:0010632, OMIM 308350. Disease mechanism: loss of function.
Inborn genetic diseases. Identifiers: MedGen C0950123, MeSH D030342.
Familial infantile myoclonic epilepsy (FIME). Also called: Epilepsy, Myoclonic, Infantile; TBC1D24-Related Familial Infantile Myoclonic Epilepsy (FIME). Identifiers: Orphanet 352582, MedGen C0917800, MONDO:0011506, OMIM 605021.
DOORS syndrome (DOORS). Also called: DEAFNESS, ONYCHODYSTROPHY, OSTEODYSTROPHY, IMPAIRED INTELLECTUAL DEVELOPMENT, AND SEIZURES SYNDROME; DOOR SYNDROME; DOORS Syndrome (Deafness, Onychodystrophy, Osteodystrophy, Mental Retardation, and Seizures); Digitorenocerebral syndrome; DRC SYNDROME; BRACHYDACTYLY DUE TO ABSENCE OF DISTAL PHALANGES. Identifiers: Orphanet 3231, Orphanet 79500, MedGen C0795934, MONDO:0009079, OMIM 220500. Disease mechanism: loss of function.

Allele frequency attached by ClinVar (database versions not stated): TOPMed 0.00002; ExAC 0.00003; gnomAD exomes 0.00001; gnomAD 0.00002.

Submissions (8):

GeneDx
Classification: Likely pathogenic. Last evaluated: 2026-01-01. Review status: criteria provided, single submitter. Criteria: GeneDx Variant Classification Process June 2021. Collection method: clinical testing. Allele origin: germline.
Comment: Published functional studies showed that this variant had significantly higher levels of protein S-nitrosylation and impaired neurite growth and length (PMID: 20727515, 26668325); Not observed at significant frequency in large population cohorts (gnomAD); In silico analysis supports that this missense variant has a deleterious effect on protein structure/function; This variant is associated with the following publications: (PMID: 25719194, 24387994, 34341188, 32663648, 31257402, 20727515, 27281533, 31112829, 28761347, 26668325, 24729539, 28428906, 24291220, 34811399, 30180405, 35350397, 39214300)

Labcorp Genetics (formerly Invitae), Labcorp
Classification: Pathogenic for Developmental and epileptic encephalopathy, 1; Autosomal dominant nonsyndromic hearing loss 65. Last evaluated: 2025-07-21. Review status: criteria provided, single submitter. Criteria: Invitae Variant Classification Sherloc (09022015). Collection method: clinical testing. Allele origin: germline.
Comment: This sequence change replaces alanine, which is neutral and non-polar, with valine, which is neutral and non-polar, at codon 515 of the TBC1D24 protein (p.Ala515Val). This variant is present in population databases (rs267607105, gnomAD 0.02%). This missense change has been observed in individual(s) with clinical features of autosomal recessive TBC1D24-related conditions (PMID: 20727515, 27281533, 31112829; internal data). In at least one individual the data is consistent with being in trans (on the opposite chromosome) from a pathogenic variant. This variant is also known as p.Ala509Val. ClinVar contains an entry for this variant (Variation ID: 49). Invitae Evidence Modeling of protein sequence and biophysical properties (such as structural, functional, and spatial information, amino acid conservation, physicochemical variation, residue mobility, and thermodynamic stability) indicates that this missense variant is expected to disrupt TBC1D24 protein function with a positive predictive value of 95%. Experimental studies are conflicting or provide insufficient evidence to determine the effect of this variant on TBC1D24 function (PMID: 20727515, 26668325). For these reasons, this variant has been classified as Pathogenic.

CeGaT Center for Human Genetics Tuebingen
Classification: Pathogenic. Last evaluated: 2024-03-01. Review status: criteria provided, single submitter. Criteria: CeGaT Center For Human Genetics Tuebingen Variant Classification Criteria Version 2. Collection method: clinical testing. Allele origin: germline. Affected: yes. Observed: 1 variant allele.
Comment: TBC1D24: PM3:Very Strong, PM2, PS3:Supporting

Mendelics
Classification: Likely pathogenic for DOORS syndrome. Last evaluated: 2022-05-04. Review status: criteria provided, single submitter. Criteria: Mendelics Assertion Criteria 2019. Collection method: clinical testing. Allele origin: germline.

Ambry Genetics
Classification: Likely pathogenic for Inborn genetic diseases. Last evaluated: 2019-04-22. Review status: criteria provided, single submitter. Criteria: Ambry Variant Classification Scheme 2023. Collection method: clinical testing. Allele origin: germline.
Comment: The p.A515V variant (also known as c.1544C>T), located in coding exon 7 of the TBC1D24 gene, results from a C to T substitution at nucleotide position 1544. The alanine at codon 515 is replaced by valine, an amino acid with similar properties. This variant was identified in 7 relatives with familial infantile myoclonic epilepsy in trans with p.D147H (Balestrini S et al. Neurology, 2016 Jul;87:77-85). It was also identified in an individual with early-onset epileptic encephalopathy in conjunction with p.P93S and in an individual with multifocal epilepsy in conjunction with p.R227W; however, the phase was not provided (Falace A et al. Am. J. Hum. Genet., 2010 Sep;87:365-70). This amino acid position is highly conserved in available vertebrate species. Based on data from gnomAD, the T allele has an overall frequency of approximately <0.01% (4/271284). In addition, this alteration is predicted to be deleterious by in silico analysis. Based on the majority of available evidence to date, this variant is likely to be pathogenic.

Eurofins Ntd Llc (ga)
Classification: Uncertain significance. Last evaluated: 2017-11-17. Review status: criteria provided, single submitter. Criteria: EGL Classification Definitions 2015. Collection method: clinical testing. Allele origin: germline. Observed: 1 variant allele, 1 heterozygote.

Division of Medical Genetics; Sainte-Justine Hospital
Classification: Pathogenic for FIME. Last evaluated: 2014-12-22. Review status: no assertion criteria provided. Collection method: literature only. Allele origin: germline. Affected: yes. Not counted in ClinVar's aggregate classification.

OMIM
Classification: Pathogenic for MYOCLONIC EPILEPSY, INFANTILE, FAMILIAL. Last evaluated: 2010-09-10. Review status: no assertion criteria provided. Collection method: literature only. Allele origin: germline. Not counted in ClinVar's aggregate classification.

Literature cited by the submitters: PubMed 20727515 (cited by 3 submitters); PubMed 27281533 (cited by Labcorp Genetics (formerly Invitae), Labcorp and Ambry Genetics); PubMed 31112829 (cited by Labcorp Genetics (formerly Invitae), Labcorp); PubMed 26668325 (cited by Labcorp Genetics (formerly Invitae), Labcorp).